The following is an entry in ClinVar:

ClinVar aggregate classification (germline): Uncertain significance (1 of 4 stars; one submission).

Submission:

Labcorp Genetics (formerly Invitae), Labcorp
Classification: Uncertain significance. Last evaluated: 2023-05-30. Review status: criteria provided, single submitter. Criteria: Invitae Variant Classification Sherloc (09022015). Collection method: clinical testing. Allele origin: germline.
Comment: In summary, the available evidence is currently insufficient to determine the role of this variant in disease. Therefore, it has been classified as a Variant of Uncertain Significance. Advanced modeling of protein sequence and biophysical properties (such as structural, functional, and spatial information, amino acid conservation, physicochemical variation, residue mobility, and thermodynamic stability) has been performed at Invitae for this missense variant, however the output from this modeling did not meet the statistical confidence thresholds required to predict the impact of this variant on WFS1 protein function. This variant has not been reported in the literature in individuals affected with WFS1-related conditions. This variant is not present in population databases (gnomAD no frequency). This sequence change replaces phenylalanine, which is neutral and non-polar, with leucine, which is neutral and non-polar, at codon 883 of the WFS1 protein (p.Phe883Leu).

NM_006005.3(WFS1):c.2649C>G (p.Phe883Leu)

Gene: WFS1 (wolframin ER transmembrane glycoprotein; plus strand). Cytogenetic location: 4p16.1.
Variant type: single nucleotide variant.
Coding change: c.2649C>G on transcript NM_006005.3 (MANE Select); coding-DNA position 2649, C replaced by G.
Protein change: p.Phe883Leu; replaces phenylalanine 883 with leucine.
Molecular consequence: missense variant.
Genome position (GRCh38, 1-based): chr4:6,302,444, C>G. VCF-style: chr4-6302444-C-G. GRCh37 (hg19) VCF-style: chr4-6304171-C-G.
Other names: c.2649C>G, p.Phe883Leu (NM_001145853.1); short protein forms F883L.
Identifiers: ClinVar variation 2864080 (VCV002864080.3), dbSNP rs2474197863, ClinGen allele CA356179702.
Genomic context (GRCh38, chr4:6,302,444, plus strand): 5'-CGAGCACGACTGGCGCAGCACCGTGCATGGCGCCGTGAAGTTCGCCTTCGACTTCTTTTT[C>G]TTCCCATTCCTGTCGGCGGCCTGAGGATGGTCCGCCACGAGGAGCTTCCAGTGCATGTTG-3'
Protein context (NP_005996.2, residues 873-890): GAVKFAFDFF[Phe883Leu]FPFLSAA